The following is an entry in ClinVar:

ClinVar aggregate classification (germline): Uncertain significance (1 of 4 stars; one submission).

Conditions:
Inborn genetic diseases. Identifiers: MedGen C0950123, MeSH D030342.

Submission:

Ambry Genetics
Classification: Uncertain significance for Inborn genetic diseases. Last evaluated: 2026-05-14. Review status: criteria provided, single submitter. Criteria: Ambry Variant Classification Scheme 2023. Collection method: clinical testing. Allele origin: germline.
Comment: The p.M179R variant (also known as c.536T>G), located in coding exon 3 of the ERCC6L2 gene, results from a T to G substitution at nucleotide position 536. The methionine at codon 179 is replaced by arginine, an amino acid with similar properties. This amino acid position is conserved. In addition, the in silico prediction for this alteration is inconclusive. Based on the available evidence, the clinical significance of this variant remains unclear.

NM_020207.7(ERCC6L2):c.536T>G (p.Met179Arg)

Gene: ERCC6L2 (ERCC excision repair 6 like 2; plus strand). Cytogenetic location: 9q22.32.
Variant type: single nucleotide variant.
Coding change: c.536T>G on transcript NM_020207.7 (MANE Select); coding-DNA position 536, T replaced by G.
Protein change: p.Met179Arg; replaces methionine 179 with arginine.
Molecular consequence: missense variant. On other transcripts: non-coding transcript variant (1).
Genome position (GRCh38, 1-based): chr9:95,897,913, T>G. VCF-style: chr9-95897913-T-G. GRCh37 (hg19) VCF-style: chr9-98660195-T-G.
Other names: c.536T>G, p.Met179Arg (NM_001010895.4, NM_001375291.1, NM_001375292.1 and 2 more transcripts); short protein forms M179R.
Identifiers: ClinVar variation 4870609 (VCV004870609.1).
Genomic context (GRCh38, chr9:95,897,913, plus strand): 5'-TTTCATTTCTGGCTGCAGTTTTGCATAAAAAGGGAACTCGTGAGGATATTGAAAATAACA[T>G]GCCAGAGTTTTTACTAAGAAGTATGAAAAAGGAACCCCTTTCTTCTACAGCAAAAAAGGT-3'
Protein context (NP_064592.3, residues 169-189): KGTREDIENN[Met179Arg]PEFLLRSMKK